The following is an entry in ClinVar:

NM_004168.4(SDHA):c.392A>G (p.Asp131Gly)

Gene: SDHA (succinate dehydrogenase complex flavoprotein subunit A; plus strand). Cytogenetic location: 5p15.33.
Variant type: single nucleotide variant.
Coding change: c.392A>G on transcript NM_004168.4 (MANE Select); coding-DNA position 392, A replaced by G.
Protein change: p.Asp131Gly; replaces aspartic acid 131 with glycine.
Molecular consequence: missense variant. On other transcripts: intron variant (1).
Genome position (GRCh38, 1-based): chr5:225,498, A>G. VCF-style: chr5-225498-A-G. GRCh37 (hg19) VCF-style: chr5-225613-A-G.
Other names: c.392A>G, p.Asp131Gly (NM_001330758.2); c.313-385A>G (NM_001294332.2); short protein forms D131G.
Identifiers: ClinVar variation 1375424 (VCV001375424.6), dbSNP rs2126547239, ClinGen allele CA359009453.

ClinVar aggregate classification (germline): Uncertain significance (1 of 4 stars; one submission).

Conditions:
Mitochondrial complex II deficiency, nuclear type 1. Also called: SUCCINATE CoQ REDUCTASE DEFICIENCY. Identifiers: Orphanet 3208, MedGen C5700310, MONDO:0100294, OMIM 252011.
Pheochromocytoma/paraganglioma syndrome 5. Also called: Paragangliomas 5; SDHA-Related Hereditary Paraganglioma-Pheochromocytoma Syndrome. Identifiers: Orphanet 29072, MedGen C3279992, MONDO:0013602, OMIM 614165.

Submission:

Labcorp Genetics (formerly Invitae), Labcorp
Classification: Uncertain significance for Pheochromocytoma/paraganglioma syndrome 5; Mitochondrial complex II deficiency, nuclear type 1. Last evaluated: 2024-11-06. Review status: criteria provided, single submitter. Criteria: Invitae Variant Classification Sherloc (09022015). Collection method: clinical testing. Allele origin: germline.
Comment: This sequence change replaces aspartic acid, which is acidic and polar, with glycine, which is neutral and non-polar, at codon 131 of the SDHA protein (p.Asp131Gly). This variant is not present in population databases (gnomAD no frequency). This variant has not been reported in the literature in individuals affected with SDHA-related conditions. ClinVar contains an entry for this variant (Variation ID: 1375424). Invitae Evidence Modeling of protein sequence and biophysical properties (such as structural, functional, and spatial information, amino acid conservation, physicochemical variation, residue mobility, and thermodynamic stability) has been performed for this missense variant. However, the output from this modeling did not meet the statistical confidence thresholds required to predict the impact of this variant on SDHA protein function. In summary, the available evidence is currently insufficient to determine the role of this variant in disease. Therefore, it has been classified as a Variant of Uncertain Significance.